The following is an entry in ClinVar:

ClinVar aggregate classification (germline): Uncertain significance (1 of 4 stars; one submission).

Allele frequency attached by ClinVar (database versions not stated): TOPMed below 0.00001.
gnomAD v4.1: 1 of 1,614,030 alleles (0.000062%); no homozygotes.

Submission:

Labcorp Genetics (formerly Invitae), Labcorp
Classification: Uncertain significance. Last evaluated: 2026-01-06. Review status: criteria provided, single submitter. Criteria: Invitae Variant Classification Sherloc (09022015). Collection method: clinical testing. Allele origin: germline.
Comment: This sequence change replaces threonine, which is neutral and polar, with serine, which is neutral and polar, at codon 341 of the PRPF4 protein (p.Thr341Ser). This variant is not present in population databases (gnomAD no frequency). This variant has not been reported in the literature in individuals affected with PRPF4-related conditions. ClinVar contains an entry for this variant (Variation ID: 1472011). An algorithm developed to predict the effect of missense changes on protein structure and function (PolyPhen-2) suggests that this variant is likely to be disruptive. In summary, the available evidence is currently insufficient to determine the role of this variant in disease. Therefore, it has been classified as a Variant of Uncertain Significance.

NM_001244926.2(PRPF4):c.1019C>G (p.Thr340Ser)

Gene: PRPF4 (pre-mRNA splicing tri-snRNP complex factor PRPF4; plus strand). Cytogenetic location: 9q32.
Variant type: single nucleotide variant.
Coding change: c.1019C>G on transcript NM_001244926.2 (MANE Select); coding-DNA position 1019, C replaced by G.
Protein change: p.Thr340Ser; replaces threonine 340 with serine.
Molecular consequence: missense variant. On other transcripts: non-coding transcript variant (2).
Genome position (GRCh38, 1-based): chr9:113,288,261, C>G. VCF-style: chr9-113288261-C-G. GRCh37 (hg19) VCF-style: chr9-116050541-C-G.
Other names: c.293C>G, p.Thr98Ser (NM_001322266.2, NM_001322267.2); c.1022C>G, p.Thr341Ser (NM_004697.5); short protein forms T340S, T98S, T341S.
Identifiers: ClinVar variation 1472011 (VCV001472011.6), dbSNP rs1015072843, ClinGen allele CA198546954.